The following is an entry in ClinVar:

ClinVar aggregate classification (germline): Uncertain significance (1 of 4 stars; one submission).

Conditions:
Inborn genetic diseases. Identifiers: MedGen C0950123, MeSH D030342.

Submission:

Ambry Genetics
Classification: Uncertain significance for Inborn genetic diseases. Last evaluated: 2025-12-18. Review status: criteria provided, single submitter. Criteria: Ambry Variant Classification Scheme 2023. Collection method: clinical testing. Allele origin: germline.
Comment: The p.L105R variant (also known as c.314T>G), located in coding exon 4 of the FANCA gene, results from a T to G substitution at nucleotide position 314. The leucine at codon 105 is replaced by arginine, an amino acid with dissimilar properties. This amino acid position is conserved. In addition, the in silico prediction for this alteration is inconclusive. Based on the available evidence, the clinical significance of this variant remains unclear.

NM_000135.4(FANCA):c.314T>G (p.Leu105Arg)

Gene: FANCA (FA complementation group A; minus strand). Cytogenetic location: 16q24.3.
Variant type: single nucleotide variant.
Coding change: c.314T>G on transcript NM_000135.4 (MANE Select); coding-DNA position 314, T replaced by G.
Protein change: p.Leu105Arg; replaces leucine 105 with arginine.
Molecular consequence: missense variant.
Genome position (GRCh38, 1-based): chr16:89,811,041, A>C on the plus strand (T>G on the coding strand, the complement: FANCA is on the minus strand). VCF-style: chr16-89811041-A-C. GRCh37 (hg19) VCF-style: chr16-89877449-A-C.
Other names: c.314T>G, p.Leu105Arg (NM_001018112.3, NM_001286167.3, NM_001351830.2); short protein forms L105R.
Identifiers: ClinVar variation 4843008 (VCV004843008.1).